The following is an entry in ClinVar:

ClinVar aggregate classification (germline): Pathogenic. Review status: criteria provided, single submitter (1 of 4 stars). 3 submissions from 3 submitters: Pathogenic (1). 2 of the submissions do not count toward it. Last evaluated 2025-01-30.

Conditions:
Pyridoxine-dependent epilepsy (EPEO4). Also called: Pyridoxine-Dependent Epilepsy - ALDH7A1; PYRIDOXINE DEPENDENCY WITH SEIZURES; EPILEPSY, EARLY-ONSET, 4, VITAMIN B6-DEPENDENT; Pyridoxine-Dependent Seizures. Identifiers: Orphanet 3006, MedGen C1849508, MONDO:0009945, OMIM 266100. Disease mechanism: loss of function.

Allele frequency attached by ClinVar (database versions not stated): TOPMed below 0.00001.
gnomAD v4.1: 1 of 1,614,118 alleles (0.000062%); highest among the groups gnomAD compares: Non-Finnish European, 0.000085%; no homozygotes.

Submissions (3):

Labcorp Genetics (formerly Invitae), Labcorp
Classification: Pathogenic for Pyridoxine-dependent epilepsy. Last evaluated: 2025-01-30. Review status: criteria provided, single submitter. Criteria: Invitae Variant Classification Sherloc (09022015). Collection method: clinical testing. Allele origin: germline.
Comment: This sequence change replaces alanine, which is neutral and non-polar, with threonine, which is neutral and polar, at codon 495 of the ALDH7A1 protein (p.Ala495Thr). This variant is not present in population databases (gnomAD no frequency). This missense change has been observed in individual(s) with pyridoxine-dependent epilepsy (PMID: 23683770, 24789515). This variant is also known as c.1399G>A (p.A467T). ClinVar contains an entry for this variant (Variation ID: 1328029). Invitae Evidence Modeling of protein sequence and biophysical properties (such as structural, functional, and spatial information, amino acid conservation, physicochemical variation, residue mobility, and thermodynamic stability) indicates that this missense variant is expected to disrupt ALDH7A1 protein function with a positive predictive value of 95%. For these reasons, this variant has been classified as Pathogenic.

Genome Diagnostics Laboratory, University Medical Center Utrecht
Classification: Likely pathogenic. Review status: no assertion criteria provided. Collection method: clinical testing. Allele origin: germline. Affected: yes. Study: VKGL Data-share Consensus. Not counted in ClinVar's aggregate classification.

Joint Genome Diagnostic Labs from Nijmegen and Maastricht, Radboudumc and MUMC+
Classification: Likely pathogenic. Review status: no assertion criteria provided. Collection method: clinical testing. Allele origin: germline. Affected: yes. Study: VKGL Data-share Consensus. Not counted in ClinVar's aggregate classification.

Literature cited by the submitters: PubMed 23683770 (cited by Labcorp Genetics (formerly Invitae), Labcorp); PubMed 24789515 (cited by Labcorp Genetics (formerly Invitae), Labcorp).

NM_001182.5(ALDH7A1):c.1483G>A (p.Ala495Thr)

Gene: ALDH7A1 (aldehyde dehydrogenase 7 family member A1; minus strand). Cytogenetic location: 5q23.2.
Variant type: single nucleotide variant.
Coding change: c.1483G>A on transcript NM_001182.5 (MANE Select); coding-DNA position 1483, G replaced by A.
Protein change: p.Ala495Thr; replaces alanine 495 with threonine.
Molecular consequence: missense variant.
Genome position (GRCh38, 1-based): chr5:126,549,935, C>T on the plus strand (G>A on the coding strand, the complement: ALDH7A1 is on the minus strand). VCF-style: chr5-126549935-C-T. GRCh37 (hg19) VCF-style: chr5-125885627-C-T.
Other names: c.1399G>A, p.Ala467Thr (NM_001201377.2); c.1291G>A, p.Ala431Thr (NM_001202404.2); short protein forms A431T, A467T, A495T.
Identifiers: ClinVar variation 1328029 (VCV001328029.10), dbSNP rs1749930972, ClinGen allele CA360720873.